The following is an entry in ClinVar:

NM_000334.4(SCN4A):c.343A>G (p.Ser115Gly)

Gene: SCN4A (sodium voltage-gated channel alpha subunit 4; minus strand). Cytogenetic location: 17q23.3.
Variant type: single nucleotide variant.
Coding change: c.343A>G on transcript NM_000334.4 (MANE Select); coding-DNA position 343, A replaced by G.
Protein change: p.Ser115Gly; replaces serine 115 with glycine.
Molecular consequence: missense variant.
Genome position (GRCh38, 1-based): chr17:63,972,401, T>C on the plus strand (A>G on the coding strand, the complement: SCN4A is on the minus strand). VCF-style: chr17-63972401-T-C. GRCh37 (hg19) VCF-style: chr17-62049761-T-C.
Other names: short protein forms S115G.
Identifiers: ClinVar variation 2502035 (VCV002502035.2), dbSNP rs941622672, ClinGen allele CA292972841.
Genomic context (GRCh38, chr17:63,972,401, plus strand): 5'-GGGCAGGATATGCATGGATGAGCACCTTGATGGCCCCGCGCCTGACTACGCTGAAGGGGC[T>C]CAGCAGGTAGAGAGCAGGTGTGGCGGAGAAGCGGAAGATGGCCTTGCCCTTGTTGAGTAC-3'
Protein context (NP_000325.4, residues 105-125): FSATPALYLL[Ser115Gly]PFSVVRRGAI

ClinVar aggregate classification (germline): Uncertain significance. Review status: criteria provided, multiple submitters, no conflicts (2 of 4 stars). 2 submissions from 2 submitters: Uncertain significance (2). Last evaluated 2024-03-18.

Conditions:
Congenital myopathy 22A, classic (CMYO22A). Identifiers: MedGen C5830453, MONDO:0957247, OMIM 620351.
Congenital myopathy 22B, severe fetal (CMYO22B). Identifiers: MedGen C5830501, MONDO:0957265, OMIM 620369.
Congenital myasthenic syndrome 16. Identifiers: Orphanet 590, MedGen C3280112, MONDO:0013620, OMIM 614198.
Hypokalemic periodic paralysis, type 2 (HOKPP2). Identifiers: Orphanet 681, MedGen C2750061, MONDO:0013234, OMIM 613345.
Hyperkalemic periodic paralysis. Also called: Gamstorp disease; Familial hyperkalemic periodic paralysis. Identifiers: Orphanet 682, MedGen C0238357, MONDO:0008224, OMIM 170500, HP:0007215.
Potassium-aggravated myotonia. Also called: MYOTONIA CONGENITA, ATYPICAL; SODIUM CHANNEL MUSCLE DISEASE; MYOTONIA CONGENITA, ACETAZOLAMIDE-RESPONSIVE; Myotonia congenita, atypical, acetazolamide-responsive. Identifiers: Orphanet 612, Orphanet 99734, Orphanet 99735, Orphanet 99736, MedGen C2931826, MONDO:0018959, OMIM 608390.
Paramyotonia congenita of Von Eulenburg. Also called: PARALYSIS PERIODICA PARAMYOTONICA; Eulenburg disease; Myotonia congenita intermittens; Von Eulenburg paramyotonia congenita; Paramyotonia Congenita. Identifiers: Orphanet 684, MedGen C0221055, MONDO:0008195, OMIM 168300. Disease mechanism: loss of function.

Submissions (2):

Fulgent Genetics
Classification: Uncertain significance for Paramyotonia congenita of Von Eulenburg; Hyperkalemic periodic paralysis; Potassium-aggravated myotonia; Hypokalemic periodic paralysis, type 2; Congenital myasthenic syndrome 16; Congenital myopathy 22A, classic; Congenital myopathy 22B, severe fetal. Last evaluated: 2024-03-18. Review status: criteria provided, single submitter. Criteria: ACMG Guidelines, 2015. Collection method: clinical testing. Allele origin: germline.

GeneDx
Classification: Uncertain significance. Last evaluated: 2022-11-11. Review status: criteria provided, single submitter. Criteria: GeneDx Variant Classification Process June 2021. Collection method: clinical testing. Allele origin: germline. Affected: yes.
Comment: Not observed at significant frequency in large population cohorts (gnomAD); In silico analysis supports that this missense variant has a deleterious effect on protein structure/function; Has not been previously published as pathogenic or benign to our knowledge